The following is an entry in ClinVar:

NM_001845.6(COL4A1):c.3326-12T>G

Gene: COL4A1 (collagen type IV alpha 1 chain; minus strand). Cytogenetic location: 13q34.
Variant type: single nucleotide variant.
Coding change: c.3326-12T>G on transcript NM_001845.6 (MANE Select); 12 bases into the intron before coding-DNA position 3326, T replaced by G.
Molecular consequence: intron variant.
Genome position (GRCh38, 1-based): chr13:110,174,538, A>C on the plus strand (T>G on the coding strand, the complement: COL4A1 is on the minus strand). VCF-style: chr13-110174538-A-C. GRCh37 (hg19) VCF-style: chr13-110826885-A-C.
Identifiers: ClinVar variation 2682250 (VCV002682250.4), dbSNP rs1042222204, ClinGen allele CA256253738.

ClinVar aggregate classification (germline): Likely benign. Review status: criteria provided, multiple submitters, no conflicts (2 of 4 stars). 2 submissions from 2 submitters: Likely benign (2). Last evaluated 2025-11-10.

Allele frequency attached by ClinVar (database versions not stated): gnomAD exomes below 0.00001.

Submissions (2):

Labcorp Genetics (formerly Invitae), Labcorp
Classification: Likely benign. Last evaluated: 2025-11-10. Review status: criteria provided, single submitter. Criteria: Invitae Variant Classification Sherloc (09022015). Collection method: clinical testing. Allele origin: germline.

Women's Health and Genetics/Laboratory Corporation of America, LabCorp
Classification: Likely benign. Last evaluated: 2023-11-22. Review status: criteria provided, single submitter. Criteria: LabCorp Variant Classification Summary - May 2015. Collection method: clinical testing. Allele origin: germline.
Comment: Variant summary: COL4A1 c.3326-12T>G alters a non-conserved nucleotide located at a position not widely known to affect splicing. Consensus agreement among computation tools predict no significant impact on normal splicing. However, these predictions have yet to be confirmed by functional studies. The variant allele was found at a frequency of 4e-06 in 251376 control chromosomes. The available data on variant occurrences in the general population are insufficient to allow any conclusion about variant significance. To our knowledge, no occurrence of c.3326-12T>G in individuals affected with Porencephaly 1 and no experimental evidence demonstrating its impact on protein function have been reported. No submitters have cited clinical-significance assessments for this variant to ClinVar after 2014. Based on the evidence outlined above, the variant was classified as likely benign.